The following is an entry in ClinVar:

ClinVar aggregate classification (germline): Uncertain significance (1 of 4 stars; one submission).

Conditions:
Hereditary cancer-predisposing syndrome. Also called: Tumor predisposition; Hereditary Cancer Syndrome; Neoplastic Syndromes, Hereditary; Hereditary neoplastic syndrome. Identifiers: Orphanet 140162, MedGen C0027672, MeSH D009386, MONDO:0015356.

Submission:

Ambry Genetics
Classification: Uncertain significance for Hereditary cancer-predisposing syndrome. Last evaluated: 2020-07-20. Review status: criteria provided, single submitter. Criteria: Ambry Variant Classification Scheme 2023. Collection method: clinical testing. Allele origin: germline.
Comment: The p.S874A variant (also known as c.2620T>G), located in coding exon 15 of the DICER1 gene, results from a T to G substitution at nucleotide position 2620. The serine at codon 874 is replaced by alanine, an amino acid with similar properties. This amino acid position is well conserved in available vertebrate species. In addition, this alteration is predicted to be tolerated by in silico analysis. Since supporting evidence is limited at this time, the clinical significance of this alteration remains unclear.

NM_177438.3(DICER1):c.2620T>G (p.Ser874Ala)

Gene: DICER1 (dicer 1, ribonuclease III; minus strand). Cytogenetic location: 14q32.13.
Variant type: single nucleotide variant.
Coding change: c.2620T>G on transcript NM_177438.3 (MANE Select); coding-DNA position 2620, T replaced by G.
Protein change: p.Ser874Ala; replaces serine 874 with alanine.
Molecular consequence: missense variant. On other transcripts: non-coding transcript variant (6).
Genome position (GRCh38, 1-based): chr14:95,107,910, A>C on the plus strand (T>G on the coding strand, the complement: DICER1 is on the minus strand). VCF-style: chr14-95107910-A-C. GRCh37 (hg19) VCF-style: chr14-95574247-A-C.
Other names: c.2620T>G, p.Ser874Ala (NM_001195573.1, NM_001271282.3, NM_001291628.2 and 13 more transcripts); c.2338T>G, p.Ser780Ala (NM_001395686.1); c.2215T>G, p.Ser739Ala (NM_001395687.1, NM_001395688.1, NM_001395689.1 and 2 more transcripts); c.2053T>G, p.Ser685Ala (NM_001395691.1); c.937T>G, p.Ser313Ala (NM_001395697.1); short protein forms S313A, S780A, S874A, S685A, S739A.
Identifiers: ClinVar variation 1793952 (VCV001793952.2), dbSNP rs2542838258, ClinGen allele CA390881274.